The following is an entry in ClinVar:

NC_000016.9:g.(?_50731155)_(51631253_?)dup

Genes: CYLD (CYLD lysine 63 deubiquitinase; plus strand), SALL1 (spalt like transcription factor 1; minus strand), NOD2 (nucleotide binding oligomerization domain containing 2; plus strand). Cytogenetic location: 16q12.1.
Variant type: Duplication.
Identifiers: ClinVar variation 3243395 (VCV003243395.1).

ClinVar aggregate classification (germline): Uncertain significance (1 of 4 stars; one submission).

Conditions:
Blau syndrome (BLAUS). Also called: ARTHROCUTANEOUVEAL GRANULOMATOSIS; GRANULOMATOSIS, FAMILIAL JUVENILE SYSTEMIC; GRANULOMATOSIS, FAMILIAL, BLAU TYPE; GRANULOMATOUS INFLAMMATORY ARTHRITIS, DERMATITIS, AND UVEITIS, FAMILIAL; JABS SYNDROME. Identifiers: Orphanet 90340, MedGen C5201146, MONDO:0008523, OMIM 186580.
Regional enteritis. Also called: Enteritis, Granulomatous. Identifiers: MedGen C0678202, MeSH D003424.

Submission:

Labcorp Genetics (formerly Invitae), Labcorp
Classification: Uncertain significance for Regional enteritis; Blau syndrome. Last evaluated: 2023-12-06. Review status: criteria provided, single submitter. Criteria: Invitae Variant Classification Sherloc (09022015). Collection method: clinical testing. Allele origin: unknown.
Comment: A copy number gain of the genomic region encompassing the full coding sequence of the NOD2 gene has been identified. The boundaries of this event are unknown as they extend beyond the assayed region for this gene and therefore may encompass additional genes. As the precise location of this event is unknown, it may be in tandem or it may be located elsewhere in the genome. This variant has not been reported in the literature in individuals affected with NOD2-related conditions. In summary, the available evidence is currently insufficient to determine the role of this variant in disease. Therefore, it has been classified as a Variant of Uncertain Significance.